The following is an entry in ClinVar:

NM_001365536.1(SCN9A):c.2362G>A (p.Ala788Thr)

Genes: SCN1A-AS1 (SCN1A and SCN9A antisense RNA 1; plus strand), SCN9A (sodium voltage-gated channel alpha subunit 9; minus strand). Cytogenetic location: 2q24.3.
Variant type: single nucleotide variant.
Coding change: c.2362G>A on transcript NM_001365536.1 (MANE Select); coding-DNA position 2362, G replaced by A.
Protein change: p.Ala788Thr; replaces alanine 788 with threonine.
Molecular consequence: missense variant.
Genome position (GRCh38, 1-based): chr2:166,278,295, C>T on the plus strand (G>A on the coding strand, the complement: SCN9A is on the minus strand). VCF-style: chr2-166278295-C-T. GRCh37 (hg19) VCF-style: chr2-167134805-C-T.
Other names: c.2329G>A, p.Ala777Thr (NM_002977.4); short protein forms A777T, A788T.
Identifiers: ClinVar variation 3757691 (VCV003757691.2).

ClinVar aggregate classification (germline): Uncertain significance (1 of 4 stars; one submission).

Conditions:
Neuropathy, hereditary sensory and autonomic, type 2A (HSAN2A). Also called: ACROOSTEOLYSIS, GIACCAI TYPE; ACROOSTEOLYSIS, NEUROGENIC; WNK1-Related HSAN2 (HSAN2A); MORVAN DISEASE; NEUROPATHY, CONGENITAL SENSORY; NEUROPATHY, HEREDITARY SENSORY RADICULAR, AUTOSOMAL RECESSIVE. Identifiers: Orphanet 970, MedGen C2752089, MONDO:0024309, OMIM 201300.
Generalized epilepsy with febrile seizures plus, type 7 (GEFSP7). Also called: GEFS+, TYPE 7. Identifiers: Orphanet 36387, MedGen C2751778, MONDO:0013470, OMIM 613863.

Submission:

Labcorp Genetics (formerly Invitae), Labcorp
Classification: Uncertain significance for Neuropathy, hereditary sensory and autonomic, type 2A; Generalized epilepsy with febrile seizures plus, type 7. Last evaluated: 2025-02-26. Review status: criteria provided, single submitter. Criteria: Invitae Variant Classification Sherloc (09022015). Collection method: clinical testing. Allele origin: germline.
Comment: This sequence change replaces alanine, which is neutral and non-polar, with threonine, which is neutral and polar, at codon 777 of the SCN9A protein (p.Ala777Thr). This variant is not present in population databases (gnomAD no frequency). This variant has not been reported in the literature in individuals affected with SCN9A-related conditions. Invitae Evidence Modeling of protein sequence and biophysical properties (such as structural, functional, and spatial information, amino acid conservation, physicochemical variation, residue mobility, and thermodynamic stability) indicates that this missense variant is not expected to disrupt SCN9A protein function with a negative predictive value of 95%. In summary, the available evidence is currently insufficient to determine the role of this variant in disease. Therefore, it has been classified as a Variant of Uncertain Significance.